The following is an entry in ClinVar:

ClinVar aggregate classification (germline): Uncertain significance (1 of 4 stars; one submission).

Conditions:
Pitt-Hopkins-like syndrome 2 (PTHSL2). Identifiers: Orphanet 221150, Orphanet 600663, MedGen C3280479, MONDO:0013690, OMIM 614325.

gnomAD v4.1: 20 of 1,613,148 alleles (0.0012%); highest among the groups gnomAD compares: Non-Finnish European, 0.0017%; no homozygotes.

Submission:

Labcorp Genetics (formerly Invitae), Labcorp
Classification: Uncertain significance for Pitt-Hopkins-like syndrome 2. Last evaluated: 2024-12-03. Review status: criteria provided, single submitter. Criteria: Invitae Variant Classification Sherloc (09022015). Collection method: clinical testing. Allele origin: germline.
Comment: This sequence change replaces phenylalanine, which is neutral and non-polar, with leucine, which is neutral and non-polar, at codon 325 of the NRXN1 protein (p.Phe325Leu). This variant is present in population databases (rs768098016, gnomAD 0.0009%). This variant has not been reported in the literature in individuals affected with NRXN1-related conditions. An algorithm developed to predict the effect of missense changes on protein structure and function (PolyPhen-2) suggests that this variant is likely to be tolerated. In summary, the available evidence is currently insufficient to determine the role of this variant in disease. Therefore, it has been classified as a Variant of Uncertain Significance.

NM_001330078.2(NRXN1):c.876C>G (p.Phe292Leu)

Gene: NRXN1 (neurexin 1; minus strand). Cytogenetic location: 2p16.3.
Variant type: single nucleotide variant.
Coding change: c.876C>G on transcript NM_001330078.2 (MANE Select); coding-DNA position 876, C replaced by G.
Protein change: p.Phe292Leu; replaces phenylalanine 292 with leucine.
Molecular consequence: missense variant.
Genome position (GRCh38, 1-based): chr2:50,623,572, G>C on the plus strand (C>G on the coding strand, the complement: NRXN1 is on the minus strand). VCF-style: chr2-50623572-G-C. GRCh37 (hg19) VCF-style: chr2-50850710-G-C.
Other names: c.975C>G, p.Phe325Leu (NM_001135659.3); c.876C>G, p.Phe292Leu (NM_001330077.2, NM_001330082.2, NM_001330085.2 and 3 more transcripts); c.816C>G, p.Phe272Leu (NM_001330083.2, NM_001330084.2, NM_001330087.2 and 1 more transcripts); c.846C>G, p.Phe282Leu (NM_001330088.2); c.873C>G, p.Phe291Leu (NM_001330093.2); c.864C>G, p.Phe288Leu (NM_001330094.2); short protein forms F272L, F292L, F282L, F325L, F288L, F291L.
Identifiers: ClinVar variation 3707820 (VCV003707820.2).
Genomic context (GRCh38, chr2:50,623,572, plus strand): 5'-AAATGACAGAGTTATTTCATCACTGCTGCTTTGAATGGGGTTTTGAGACAAGTCGTAGCA[G>C]AAGTATTCAGATCCTTTGAACGTGGCAATATATTCTTCTTTTCCTAGAGGAAAACAGATG-3'
Protein context (NP_001317007.1, residues 282-302): YIATFKGSEY[Phe292Leu]CYDLSQNPIQ